The following is an entry in ClinVar:

NM_004187.5(KDM5C):c.2460T>G (p.Ser820Arg)

Gene: KDM5C (lysine demethylase 5C; minus strand). Cytogenetic location: Xp11.22.
Variant type: single nucleotide variant.
Coding change: c.2460T>G on transcript NM_004187.5 (MANE Select); coding-DNA position 2460, T replaced by G.
Protein change: p.Ser820Arg; replaces serine 820 with arginine.
Molecular consequence: missense variant. On other transcripts: non-coding transcript variant (3).
Genome position (GRCh38, 1-based): chrX:53,198,546, A>C on the plus strand (T>G on the coding strand, the complement: KDM5C is on the minus strand). VCF-style: chrX-53198546-A-C. GRCh37 (hg19) VCF-style: chrX-53227728-A-C.
Other names: c.2259T>G, p.Ser753Arg (NM_001146702.2); c.2457T>G, p.Ser819Arg (NM_001282622.3, NM_001353979.2, NM_001353982.2); c.2460T>G, p.Ser820Arg (NM_001353978.3, NM_001353981.2, NM_001353984.2); short protein forms S753R, S819R, S820R.
Identifiers: ClinVar variation 2100597 (VCV002100597.4), dbSNP rs2519413267, ClinGen allele CA413117517.

ClinVar aggregate classification (germline): Uncertain significance (1 of 4 stars; one submission).

Conditions:
Spastic paraplegia. Identifiers: MedGen C0037772, HP:0001258.

Submission:

Labcorp Genetics (formerly Invitae), Labcorp
Classification: Uncertain significance for Spastic paraplegia. Last evaluated: 2025-11-18. Review status: criteria provided, single submitter. Criteria: Invitae Variant Classification Sherloc (09022015). Collection method: clinical testing. Allele origin: germline.
Comment: This sequence change replaces serine, which is neutral and polar, with arginine, which is basic and polar, at codon 820 of the KDM5C protein (p.Ser820Arg). This variant is not present in population databases (gnomAD no frequency). This variant has not been reported in the literature in individuals affected with KDM5C-related conditions. ClinVar contains an entry for this variant (Variation ID: 2100597). Invitae Evidence Modeling of protein sequence and biophysical properties (such as structural, functional, and spatial information, amino acid conservation, physicochemical variation, residue mobility, and thermodynamic stability) indicates that this missense variant is not expected to disrupt KDM5C protein function with a negative predictive value of 95%. In summary, the available evidence is currently insufficient to determine the role of this variant in disease. Therefore, it has been classified as a Variant of Uncertain Significance.